The following is an entry in ClinVar:

NM_001008212.2(OPTN):c.369G>A (p.Glu123=)

Genes: OPTN (optineurin; plus strand), LOC108903148 (10p13 OPTN distal Alu-mediated recombination region; plus strand). Cytogenetic location: 10p13.
Variant type: single nucleotide variant.
Coding change: c.369G>A on transcript NM_001008212.2 (MANE Select); coding-DNA position 369, G replaced by A.
Protein change: p.Glu123=; no amino-acid change (glutamic acid 123 retained).
Molecular consequence: synonymous variant.
Genome position (GRCh38, 1-based): chr10:13,110,476, G>A. VCF-style: chr10-13110476-G-A. GRCh37 (hg19) VCF-style: chr10-13152476-G-A.
Other names: c.369G>A, p.Glu123= (NM_001008211.1, NM_001008213.1, NM_021980.4).
Identifiers: ClinVar variation 3750607 (VCV003750607.2).

ClinVar aggregate classification (germline): Uncertain significance (1 of 4 stars; one submission).

Conditions:
Glaucoma 1, open angle, E. Identifiers: MedGen C1842026, MONDO:0007665.
Primary open angle glaucoma (POAG). Also called: OPTN-related open angle glaucoma. Identifiers: MedGen C0339573, MONDO:0100553, OMIM 137760.
Amyotrophic lateral sclerosis type 12 (ALS12). Also called: AMYOTROPHIC LATERAL SCLEROSIS 12 WITH OR WITHOUT FRONTOTEMPORAL DEMENTIA. Identifiers: Orphanet 803, MedGen C3150692, MONDO:0013264, OMIM 613435.

gnomAD v4.1: 1 of 1,611,740 alleles (0.000062%); highest among the groups gnomAD compares: Non-Finnish European, 0.000085%; no homozygotes.

Submission:

Labcorp Genetics (formerly Invitae), Labcorp
Classification: Uncertain significance for Primary open angle glaucoma; Glaucoma 1, open angle, E; Amyotrophic lateral sclerosis type 12. Last evaluated: 2025-01-27. Review status: criteria provided, single submitter. Criteria: Invitae Variant Classification Sherloc (09022015). Collection method: clinical testing. Allele origin: germline.
Comment: This sequence change affects codon 123 of the OPTN mRNA. It is a 'silent' change, meaning that it does not change the encoded amino acid sequence of the OPTN protein. This variant also falls at the last nucleotide of exon 3, which is part of the consensus splice site for this exon. This variant is not present in population databases (gnomAD no frequency). This variant has not been reported in the literature in individuals affected with OPTN-related conditions. Variants that disrupt the consensus splice site are a relatively common cause of aberrant splicing (PMID: 17576681, 9536098). Algorithms developed to predict the effect of sequence changes on RNA splicing suggest that this variant may disrupt the consensus splice site. In summary, the available evidence is currently insufficient to determine the role of this variant in disease. Therefore, it has been classified as a Variant of Uncertain Significance.

Literature cited by the submitters: PubMed 17576681; PubMed 9536098.